The following is an entry in ClinVar:

NM_000540.3(RYR1):c.10493G>A (p.Arg3498His)

Gene: RYR1 (ryanodine receptor 1; plus strand). Cytogenetic location: 19q13.2.
Variant type: single nucleotide variant.
Coding change: c.10493G>A on transcript NM_000540.3 (MANE Select); coding-DNA position 10493, G replaced by A.
Protein change: p.Arg3498His; replaces arginine 3498 with histidine.
Molecular consequence: missense variant.
Genome position (GRCh38, 1-based): chr19:38,525,369, G>A. VCF-style: chr19-38525369-G-A. GRCh37 (hg19) VCF-style: chr19-39016009-G-A.
Other names: c.10478G>A, p.Arg3493His (NM_001042723.2); short protein forms R3493H, R3498H.
Identifiers: ClinVar variation 1254676 (VCV001254676.10), dbSNP rs529215921, ClinGen allele CA053874.

ClinVar aggregate classification (germline): Uncertain significance. Review status: criteria provided, multiple submitters, no conflicts (2 of 4 stars). 4 submissions from 4 submitters: Uncertain significance (4). Last evaluated 2025-11-28.

Conditions:
RYR1-related disorder. Also called: RYR1-related condition; RYR1-related disorders. Identifiers: MedGen CN239331.
Malignant hyperthermia, susceptibility to, 1 (MHS1). Also called: Malignant hyperthermia suceptibility 1; Anesthesia related hyperthermia; Malignant hyperpyrexia; Fulminating hyperpyrexia; Pharmacogenic myopathy; RYR1-Related Malignant Hyperthermia Susceptibility. Identifiers: Orphanet 423, MedGen C2930980, MONDO:0007783, OMIM 145600.

Allele frequency attached by ClinVar (database versions not stated): gnomAD 0.00003; TOPMed 0.00004.
gnomAD v4.1: 47 of 1,613,844 alleles (0.0029%); highest among the groups gnomAD compares: African/African-American, 0.0094%; no homozygotes.

Submissions (4):

Labcorp Genetics (formerly Invitae), Labcorp
Classification: Uncertain significance for RYR1-related disorder. Last evaluated: 2025-11-28. Review status: criteria provided, single submitter. Criteria: Invitae Variant Classification Sherloc (09022015). Collection method: clinical testing. Allele origin: germline.
Comment: This sequence change replaces arginine, which is basic and polar, with histidine, which is basic and polar, at codon 3498 of the RYR1 protein (p.Arg3498His). This variant is present in population databases (rs529215921, gnomAD 0.01%). This variant has not been reported in the literature in individuals affected with RYR1-related conditions. ClinVar contains an entry for this variant (Variation ID: 1254676). Invitae Evidence Modeling of protein sequence and biophysical properties (such as structural, functional, and spatial information, amino acid conservation, physicochemical variation, residue mobility, and thermodynamic stability) indicates that this missense variant is not expected to disrupt RYR1 protein function with a negative predictive value of 80%. In summary, the available evidence is currently insufficient to determine the role of this variant in disease. Therefore, it has been classified as a Variant of Uncertain Significance.

Color Diagnostics, LLC DBA Color Health
Classification: Uncertain significance for Malignant hyperthermia, susceptibility to, 1. Last evaluated: 2024-02-22. Review status: criteria provided, single submitter. Criteria: ACMG Guidelines, 2015. Collection method: clinical testing. Allele origin: germline.
Comment: This missense variant replaces arginine with histidine at codon 3498 of the RYR1 protein. Computational prediction suggests that this variant may have deleterious impact on protein structure and function. To our knowledge, functional studies have not been reported for this variant. This variant has not been reported in individuals affected with RYR1-related disorders in the literature. This variant has been identified in 10/282570 chromosomes in the general population by the Genome Aggregation Database (gnomAD). The available evidence is insufficient to determine the role of this variant in disease conclusively. Therefore, this variant is classified as a Variant of Uncertain Significance.

GeneDx
Classification: Uncertain significance. Last evaluated: 2021-09-11. Review status: criteria provided, single submitter. Criteria: GeneDx Variant Classification Process June 2021. Collection method: clinical testing. Allele origin: germline. Affected: yes.
Comment: Not observed at significant frequency in large population cohorts (Lek et al., 2016); In silico analysis supports that this missense variant has a deleterious effect on protein structure/function; Has not been previously published as pathogenic or benign to our knowledge; This variant is associated with the following publications: (PMID: 27535533)

Revvity Omics, Revvity
Classification: Uncertain significance. Last evaluated: 2019-06-17. Review status: criteria provided, single submitter. Criteria: ACMG Guidelines, 2015. Collection method: clinical testing. Allele origin: germline.